The following is an entry in ClinVar:

ClinVar aggregate classification (germline): Uncertain significance. Review status: criteria provided, multiple submitters, no conflicts (2 of 4 stars). 2 submissions from 2 submitters: Uncertain significance (2). Last evaluated 2024-08-12.

Conditions:
Juvenile myelomonocytic leukemia (JMML). Also called: LEUKEMIA, JUVENILE MYELOMONOCYTIC, SOMATIC. Identifiers: Orphanet 86834, MedGen C0349639, MONDO:0011908, OMIM 607785, HP:0012209.
Neurofibromatosis, type 1 (NF1). Also called: Peripheral type neurofibromatosis; VON RECKLINGHAUSEN DISEASE; Neurofibromatosis, type I; NEUROFIBROMATOSIS, TYPE I, SOMATIC. Identifiers: Orphanet 636, MedGen C0027831, MONDO:0018975, OMIM 162200. Disease mechanism: loss of function.

Submissions (2):

Labcorp Genetics (formerly Invitae), Labcorp
Classification: Uncertain significance for Neurofibromatosis, type 1. Last evaluated: 2024-08-12. Review status: criteria provided, single submitter. Criteria: Invitae Variant Classification Sherloc (09022015). Collection method: clinical testing. Allele origin: germline.
Comment: This sequence change replaces threonine, which is neutral and polar, with isoleucine, which is neutral and non-polar, at codon 2013 of the NF1 protein (p.Thr2013Ile). This variant is not present in population databases (gnomAD no frequency). This missense change has been observed in individual(s) with clinical features of NF1-related conditions (Invitae). ClinVar contains an entry for this variant (Variation ID: 571753). Advanced modeling of protein sequence and biophysical properties (such as structural, functional, and spatial information, amino acid conservation, physicochemical variation, residue mobility, and thermodynamic stability) performed at Invitae indicates that this missense variant is expected to disrupt NF1 protein function with a positive predictive value of 95%. In summary, the available evidence is currently insufficient to determine the role of this variant in disease. Therefore, it has been classified as a Variant of Uncertain Significance.

Baylor Genetics
Classification: Uncertain significance for Juvenile myelomonocytic leukemia. Last evaluated: 2024-01-02. Review status: criteria provided, single submitter. Criteria: ACMG Guidelines, 2015. Collection method: clinical testing. Allele origin: unknown.

NM_001042492.3(NF1):c.6101C>T (p.Thr2034Ile)

Gene: NF1 (neurofibromin 1; plus strand). Cytogenetic location: 17q11.2.
Variant type: single nucleotide variant.
Coding change: c.6101C>T on transcript NM_001042492.3 (MANE Select); coding-DNA position 6101, C replaced by T.
Protein change: p.Thr2034Ile; replaces threonine 2034 with isoleucine.
Molecular consequence: missense variant.
Genome position (GRCh38, 1-based): chr17:31,336,427, C>T. VCF-style: chr17-31336427-C-T. GRCh37 (hg19) VCF-style: chr17-29663445-C-T.
Other names: c.6038C>T, p.Thr2013Ile (NM_000267.4); short protein forms T2034I, T2013I.
Identifiers: ClinVar variation 571753 (VCV000571753.8), dbSNP rs1567616695, ClinGen allele CA399011365.